The following is an entry in ClinVar:

NM_001039876.3(SYNE4):c.249del (p.Ser82_Tyr83insTer)

Gene: SYNE4 (spectrin repeat containing nuclear envelope family member 4; minus strand). Cytogenetic location: 19q13.12.
Variant type: Deletion.
Coding change: c.249del on transcript NM_001039876.3 (MANE Select); coding-DNA position 249, one base deleted (C; older notation c.249delC).
Protein change: p.Ser82_Tyr83insTer.
Molecular consequence: nonsense.
Genome position (GRCh38, 1-based): chr19:36,008,247, G deleted on the plus strand (C on the coding strand, the reverse complement: SYNE4 is on the minus strand). VCF-style (leftmost placement, unchanged base first): chr19-36008246-CG-C. GRCh37 (hg19) VCF-style: chr19-36499148-CG-C.
Other names: c.249del, p.Ser82_Tyr83insTer (NM_001297735.3).
Identifiers: ClinVar variation 2825620 (VCV002825620.3), dbSNP rs2514048836, ClinGen allele CA2739276672.
Genomic context (GRCh38, chr19:36,008,246, plus strand): 5'-GGCACAAGGGGTCTGGGTCACCTCAGCTCACCTCACAGTGTTTGCCCCCAGCTGGGTCCT[CG>C]TAGGAAGAGGGTGTTGACCATCTCGGGGGGTGAGCGGCAGGCTCATTGCCCCTTGGCCCA-3'

ClinVar aggregate classification (germline): Pathogenic (1 of 4 stars; one submission).

Submission:

Labcorp Genetics (formerly Invitae), Labcorp
Classification: Pathogenic. Last evaluated: 2022-12-31. Review status: criteria provided, single submitter. Criteria: Invitae Variant Classification Sherloc (09022015). Collection method: clinical testing. Allele origin: germline.
Comment: This sequence change creates a premature translational stop signal (p.Tyr83*) in the SYNE4 gene. It is expected to result in an absent or disrupted protein product. Loss-of-function variants in SYNE4 are known to be pathogenic (PMID: 23348741, 28958982). This variant is not present in population databases (gnomAD no frequency). For these reasons, this variant has been classified as Pathogenic. Algorithms developed to predict the effect of sequence changes on RNA splicing suggest that this variant may disrupt the consensus splice site. This variant has not been reported in the literature in individuals affected with SYNE4-related conditions.

Literature cited by the submitters: PubMed 23348741; PubMed 28958982.